The following is an entry in ClinVar:

NM_199420.4(POLQ):c.543C>T (p.Phe181=)

Gene: POLQ (DNA polymerase theta; minus strand). Cytogenetic location: 3q13.33.
Variant type: single nucleotide variant.
Coding change: c.543C>T on transcript NM_199420.4 (MANE Select); coding-DNA position 543, C replaced by T.
Protein change: p.Phe181=; no amino-acid change (phenylalanine 181 retained).
Molecular consequence: synonymous variant.
Genome position (GRCh38, 1-based): chr3:121,539,521, G>A on the plus strand (C>T on the coding strand, the complement: POLQ is on the minus strand). VCF-style: chr3-121539521-G-A. GRCh37 (hg19) VCF-style: chr3-121258368-G-A.
Identifiers: ClinVar variation 3056272 (VCV003056272.3), dbSNP rs36065146, ClinGen allele CA2563783.

ClinVar aggregate classification (germline): Benign. Review status: criteria provided, single submitter (1 of 4 stars). 2 submissions from 2 submitters: Benign (1). 1 of the submissions does not count toward it. Last evaluated 2026-08-07.

Conditions:
POLQ-related disorder. Also called: POLQ-related condition.
Familial cancer of breast. Also called: hereditary breast carcinoma; BREAST CANCER, FAMILIAL; Hereditary breast cancer. Identifiers: Orphanet 227535, MedGen C0346153, MONDO:0016419, OMIM 114480. Disease mechanism: loss of function.

Allele frequency attached by ClinVar (database versions not stated): gnomAD 0.03607; TOPMed 0.03751; 1000 Genomes Project 30x 0.02530; 1000 Genomes Project 0.02536; ESP Exome Variant Server 0.03883.
gnomAD v4.1: 77,752 of 1,612,262 alleles (4.8%); highest among the groups gnomAD compares: Middle Eastern, 7.2%; 2,243 homozygotes.

Submissions (2):

Genomic Medicine Laboratory, Hospital de Clinicas de Porto Alegre
Classification: Benign for Familial cancer of breast. Last evaluated: 2026-08-07. Review status: criteria provided, single submitter. Criteria: ACGS UK Practice Guidelines For Variant Classification V12 2024. Collection method: research. Allele origin: germline. Affected: yes. Observed: 3 variant alleles.
Comment: BA1: Allele frequency is above 5%

PreventionGenetics, part of Exact Sciences
Classification: Benign for POLQ-related condition. Last evaluated: 2019-07-10. Review status: no assertion criteria provided. Collection method: clinical testing. Allele origin: germline. Not counted in ClinVar's aggregate classification.
Comment: This variant is classified as benign based on ACMG/AMP sequence variant interpretation guidelines (Richards et al. 2015 PMID: 25741868, with internal and published modifications).